The following is an entry in ClinVar:

ClinVar aggregate classification (germline): Likely benign. Review status: criteria provided, multiple submitters, no conflicts (2 of 4 stars). 3 submissions from 3 submitters: Likely benign (2). 1 of the submissions does not count toward it. Last evaluated 2025-02-23.

Conditions:
ALG9 congenital disorder of glycosylation (CDG1L). Also called: CDG Il; CONGENITAL DISORDER OF GLYCOSYLATION, TYPE Il; ALG9-CDG. Identifiers: Orphanet 79328, MedGen C2931006, MONDO:0012117, OMIM 608776.
ATP6V0A2-related disorder. Also called: ATP6V0A2-related condition.

Allele frequency attached by ClinVar (database versions not stated): gnomAD 0.00003 and 0.00004; gnomAD exomes 0.00003 and 0.00008; TOPMed 0.00004; ExAC 0.00005.
gnomAD v4.1: 48 of 1,614,034 alleles (0.003%); highest among the groups gnomAD compares: East Asian, 0.062%; no homozygotes.

Submissions (3):

Labcorp Genetics (formerly Invitae), Labcorp
Classification: Likely benign for ALG9 congenital disorder of glycosylation. Last evaluated: 2025-02-23. Review status: criteria provided, single submitter. Criteria: Invitae Variant Classification Sherloc (09022015). Collection method: clinical testing. Allele origin: germline.

GeneDx
Classification: Likely benign. Last evaluated: 2018-04-26. Review status: criteria provided, single submitter. Criteria: GeneDx Variant Classification (06012015). Collection method: clinical testing. Allele origin: germline. Affected: yes.
Comment: This variant is considered likely benign or benign based on one or more of the following criteria: it is a conservative change, it occurs at a poorly conserved position in the protein, it is predicted to be benign by multiple in silico algorithms, and/or has population frequency not consistent with disease.

PreventionGenetics, part of Exact Sciences
Classification: Likely benign for ATP6V0A2-related condition. Last evaluated: 2019-03-15. Review status: no assertion criteria provided. Collection method: clinical testing. Allele origin: germline. Not counted in ClinVar's aggregate classification.
Comment: This variant is classified as likely benign based on ACMG/AMP sequence variant interpretation guidelines (Richards et al. 2015 PMID: 25741868, with internal and published modifications).

NM_012463.4(ATP6V0A2):c.1194C>T (p.Leu398=)

Gene: ATP6V0A2 (ATPase H+ transporting V0 subunit a2; plus strand). Cytogenetic location: 12q24.31.
Variant type: single nucleotide variant.
Coding change: c.1194C>T on transcript NM_012463.4 (MANE Select); coding-DNA position 1194, C replaced by T.
Protein change: p.Leu398=; no amino-acid change (leucine 398 retained).
Molecular consequence: synonymous variant.
Genome position (GRCh38, 1-based): chr12:123,744,205, C>T. VCF-style: chr12-123744205-C-T. GRCh37 (hg19) VCF-style: chr12-124228752-C-T.
Identifiers: ClinVar variation 682282 (VCV000682282.9), dbSNP rs775345155, ClinGen allele CA6861873.